The following is an entry in ClinVar:

NM_144997.7(FLCN):c.850G>A (p.Val284Ile)

Gene: FLCN (folliculin; minus strand). Cytogenetic location: 17p11.2.
Variant type: single nucleotide variant.
Coding change: c.850G>A on transcript NM_144997.7 (MANE Select); coding-DNA position 850, G replaced by A.
Protein change: p.Val284Ile; replaces valine 284 with isoleucine.
Molecular consequence: missense variant.
Genome position (GRCh38, 1-based): chr17:17,221,558, C>T on the plus strand (G>A on the coding strand, the complement: FLCN is on the minus strand). VCF-style: chr17-17221558-C-T. GRCh37 (hg19) VCF-style: chr17-17124872-C-T.
Other names: c.904G>A, p.Val302Ile (NM_001353229.2); c.850G>A, p.Val284Ile (NM_001353230.2, NM_001353231.2, NM_144606.7); short protein forms V284I, V302I.
Identifiers: ClinVar variation 2114072 (VCV002114072.4), dbSNP rs2544219505, ClinGen allele CA398533660.

ClinVar aggregate classification (germline): Uncertain significance (1 of 4 stars; one submission).

Conditions:
Birt-Hogg-Dube syndrome. Also called: Birt Hogg Dubé syndrome. Identifiers: Orphanet 122, MedGen C0346010, MONDO:0800444.

Submission:

Labcorp Genetics (formerly Invitae), Labcorp
Classification: Uncertain significance for Birt-Hogg-Dube syndrome. Last evaluated: 2024-09-05. Review status: criteria provided, single submitter. Criteria: Invitae Variant Classification Sherloc (09022015). Collection method: clinical testing. Allele origin: germline.
Comment: This sequence change replaces valine, which is neutral and non-polar, with isoleucine, which is neutral and non-polar, at codon 284 of the FLCN protein (p.Val284Ile). This variant is not present in population databases (gnomAD no frequency). This variant has not been reported in the literature in individuals affected with FLCN-related conditions. ClinVar contains an entry for this variant (Variation ID: 2114072). Invitae Evidence Modeling of protein sequence and biophysical properties (such as structural, functional, and spatial information, amino acid conservation, physicochemical variation, residue mobility, and thermodynamic stability) indicates that this missense variant is not expected to disrupt FLCN protein function with a negative predictive value of 80%. In summary, the available evidence is currently insufficient to determine the role of this variant in disease. Therefore, it has been classified as a Variant of Uncertain Significance.